The following is an entry in ClinVar:

NM_001378615.1(CC2D2A):c.3640_3643dup (p.Ser1215fs)

Genes: CC2D2A (coiled-coil and C2 domain containing 2A; plus strand), FBXL5 (F-box and leucine rich repeat protein 5; minus strand). Cytogenetic location: 4p15.32.
Variant type: Duplication.
Coding change: c.3640_3643dup on transcript NM_001378615.1 (MANE Select); coding-DNA positions 3640 to 3643, 4 bases duplicated (TACA; older notation c.3640_3643dupTACA).
Protein change: p.Ser1215fs; shifts the reading frame from serine 1215.
Molecular consequence: frameshift variant.
Genome position (GRCh38, 1-based): chr4:15,574,195-15,574,198, TACA duplicated. VCF-style (leftmost placement, unchanged base first): chr4-15574194-C-CTACA. GRCh37 (hg19) VCF-style: chr4-15575817-C-CTACA.
Other names: c.3640_3643dup, p.Ser1215fs (NM_001080522.2); c.3493_3496dup, p.Ser1166fs (NM_001378617.1); short protein forms S1166fs, S1215fs.
Identifiers: ClinVar variation 1367697 (VCV001367697.9), dbSNP rs2109077880, ClinGen allele CA2573137616.

ClinVar aggregate classification (germline): Pathogenic. Review status: criteria provided, multiple submitters, no conflicts (2 of 4 stars). 2 submissions from 2 submitters: Pathogenic (2). Last evaluated 2025-07-14.

Conditions:
Joubert syndrome and related disorders. Identifiers: Orphanet 140874, MedGen C5679612, MONDO:0015369.
Joubert syndrome. Also called: JOUBERT-BOLTSHAUSER SYNDROME; Familial aplasia of the vermis. Identifiers: Orphanet 475, MedGen C5979921, MONDO:0018772.
Meckel-Gruber syndrome. Also called: DYSENCEPHALIA SPLANCHNOCYSTICA; GRUBER SYNDROME; Dysencephalia splachnocystica. Identifiers: Orphanet 564, MedGen C0265215, MONDO:0018921.

Allele frequency attached by ClinVar (database versions not stated): gnomAD exomes below 0.00001.

Submissions (2):

Myriad Genetics, Inc.
Classification: Pathogenic for Joubert syndrome and related disorders. Last evaluated: 2025-07-14. Review status: criteria provided, single submitter. Criteria: Myriad Autosomal Dominant, Autosomal Recessive and X-Linked Classification Criteria (2023). Collection method: clinical testing. Allele origin: unknown.
Comment: NM_001080522.2(CC2D2A):c.3640_3643dupTACA(S1215Ifs*3) is expected to be pathogenic in the context of CC2D2A-related disorders. This variant is predicted to lead to an abnormal or absent protein product due to the creation of a premature termination codon in CC2D2A, a gene where loss-of-function variants are known to be pathogenic. Please note: this variant was assessed in the context of healthy population screening.

Labcorp Genetics (formerly Invitae), Labcorp
Classification: Pathogenic for Joubert syndrome; Meckel-Gruber syndrome. Last evaluated: 2021-04-16. Review status: criteria provided, single submitter. Criteria: Invitae Variant Classification Sherloc (09022015). Collection method: clinical testing. Allele origin: germline.
Comment: For these reasons, this variant has been classified as Pathogenic. Algorithms developed to predict the effect of sequence changes on RNA splicing suggest that this variant may create or strengthen a splice site, but this prediction has not been confirmed by published transcriptional studies. This variant has been observed in individual(s) with Joubert syndrome (Invitae). This variant is not present in population databases (ExAC no frequency). This sequence change creates a premature translational stop signal (p.Ser1215Ilefs*3) in the CC2D2A gene. It is expected to result in an absent or disrupted protein product. Loss-of-function variants in CC2D2A are known to be pathogenic (PMID: 19777577).

Literature cited by the submitters: PubMed 19777577 (cited by Labcorp Genetics (formerly Invitae), Labcorp).